The following is an entry in ClinVar:

ClinVar aggregate classification (germline): Benign. Review status: criteria provided, multiple submitters, no conflicts (2 of 4 stars). 3 submissions from 3 submitters: Benign (3). Last evaluated 2026-02-04.

Conditions:
Mitochondrial DNA depletion syndrome 1. Also called: Mitochondrial DNA depletion syndrome 1 (MNGIE type); Mitochondrial neurogastrointestinal encephalomyopathy syndrome; Mitochondrial Neurogastrointestinal Encephalopathy Disease; MITOCHONDRIAL NEUROGASTROINTESTINAL ENCEPHALOPATHY SYNDROME, TYMP-RELATED; MNGIE, TYMP-RELATED; Mitochondrial DNA Depletion Syndrome, MNGIE Form. Identifiers: Orphanet 298, MedGen C4551995, MONDO:0011283, OMIM 603041.

Allele frequency attached by ClinVar (database versions not stated): 1000 Genomes Project 0.00439; 1000 Genomes Project 30x 0.00578; TOPMed 0.00838; gnomAD exomes 0.00912 and 0.01468; gnomAD 0.00928 and 0.00960; ExAC 0.01003; ESP Exome Variant Server 0.01154.

Submissions (3):

Labcorp Genetics (formerly Invitae), Labcorp
Classification: Benign. Last evaluated: 2026-02-04. Review status: criteria provided, single submitter. Criteria: Invitae Variant Classification Sherloc (09022015). Collection method: clinical testing. Allele origin: germline.

Illumina Laboratory Services, Illumina
Classification: Benign for Mitochondrial DNA depletion syndrome 1. Last evaluated: 2018-01-13. Review status: criteria provided, single submitter. Criteria: ICSL Variant Classification Criteria 13 December 2019. Collection method: clinical testing. Allele origin: germline.
Comment: This variant was observed in the ICSL laboratory as part of a predisposition screen in an ostensibly healthy population. It had not been previously curated by ICSL or reported in the Human Gene Mutation Database (HGMD: prior to June 1st, 2018), and was therefore a candidate for classification through an automated scoring system. Utilizing variant allele frequency, disease prevalence and penetrance estimates, and inheritance mode, an automated score was calculated to assess if this variant is too frequent to cause the disease. Based on the score and internal cut-off values, a variant classified as benign is not then subjected to further curation. The score for this variant resulted in a classification of benign for this disease.

GeneDx
Classification: Benign. Last evaluated: 2011-10-28. Review status: criteria provided, single submitter. Criteria: GeneDx Variant Classification (06012015). Collection method: clinical testing. Allele origin: germline. Affected: yes.
Comment: This variant is considered likely benign or benign based on one or more of the following criteria: it is a conservative change, it occurs at a poorly conserved position in the protein, it is predicted to be benign by multiple in silico algorithms, and/or has population frequency not consistent with disease.

NM_001953.5(TYMP):c.214+13G>A

Gene: TYMP (thymidine phosphorylase; minus strand). Cytogenetic location: 22q13.33.
Variant type: single nucleotide variant.
Coding change: c.214+13G>A on transcript NM_001953.5 (MANE Select); 13 bases into the intron after coding-DNA position 214, G replaced by A.
Molecular consequence: intron variant.
Genome position (GRCh38, 1-based): chr22:50,529,483, C>T on the plus strand (G>A on the coding strand, the complement: TYMP is on the minus strand). VCF-style: chr22-50529483-C-T. GRCh37 (hg19) VCF-style: chr22-50967912-C-T.
Other names: c.214+13G>A (LRG_727t1, LRG_727t2, NM_001257989.1 and 3 more transcripts).
Identifiers: ClinVar variation 137871 (VCV000137871.12), dbSNP rs74624637, ClinGen allele CA291563.